The following is an entry in ClinVar:

ClinVar aggregate classification (germline): Uncertain significance (1 of 4 stars; one submission).

Submission:

GeneDx
Classification: Uncertain significance. Last evaluated: 2026-04-14. Review status: criteria provided, single submitter. Criteria: GeneDx Variant Classification Process June 2021. Collection method: clinical testing. Allele origin: germline.
Comment: Not observed at significant frequency in large population cohorts (gnomAD); In silico analysis suggests that this missense variant does not alter protein structure/function; Has not been previously published as pathogenic or benign to our knowledge

NM_001851.6(COL9A1):c.757C>T (p.His253Tyr)

Gene: COL9A1 (collagen type IX alpha 1 chain; minus strand). Cytogenetic location: 6q13.
Variant type: single nucleotide variant.
Coding change: c.757C>T on transcript NM_001851.6 (MANE Select); coding-DNA position 757, C replaced by T.
Protein change: p.His253Tyr; replaces histidine 253 with tyrosine.
Molecular consequence: missense variant.
Genome position (GRCh38, 1-based): chr6:70,283,760, G>A on the plus strand (C>T on the coding strand, the complement: COL9A1 is on the minus strand). VCF-style: chr6-70283760-G-A. GRCh37 (hg19) VCF-style: chr6-70993463-G-A.
Other names: c.757C>T, p.His253Tyr (NM_001377291.1); short protein forms H253Y.
Identifiers: ClinVar variation 5037154 (VCV005037154.1).